The following is an entry in ClinVar:

ClinVar aggregate classification (germline): Uncertain significance (1 of 4 stars; one submission).

gnomAD v4.1: 4 of 1,613,916 alleles (0.00025%); highest among the groups gnomAD compares: East Asian, 0.0022%; no homozygotes.

Submission:

GeneDx
Classification: Uncertain significance. Last evaluated: 2024-11-20. Review status: criteria provided, single submitter. Criteria: GeneDx Variant Classification Process June 2021. Collection method: clinical testing. Allele origin: germline. Affected: yes.
Comment: Not observed at significant frequency in large population cohorts (gnomAD); In silico analysis indicates that this missense variant does not alter protein structure/function; Has not been previously published as pathogenic or benign to our knowledge

NM_015330.6(SPECC1L):c.1141C>T (p.Arg381Trp)

Genes: SPECC1L (sperm antigen with calponin homology and coiled-coil domains 1 like; plus strand), SPECC1L-ADORA2A (SPECC1L-ADORA2A readthrough (NMD candidate); plus strand). Cytogenetic location: 22q11.23.
Variant type: single nucleotide variant.
Coding change: c.1141C>T on transcript NM_015330.6 (MANE Select); coding-DNA position 1141, C replaced by T.
Protein change: p.Arg381Trp; replaces arginine 381 with tryptophan.
Molecular consequence: missense variant. On other transcripts: non-coding transcript variant (1).
Genome position (GRCh38, 1-based): chr22:24,322,121, C>T. VCF-style: chr22-24322121-C-T. GRCh37 (hg19) VCF-style: chr22-24718089-C-T.
Other names: c.1141C>T, p.Arg381Trp (NM_001145468.4, NM_001254732.3); short protein forms R381W.
Identifiers: ClinVar variation 3900399 (VCV003900399.1).